The following is an entry in ClinVar:

ClinVar aggregate classification (germline): Pathogenic (1 of 4 stars; one submission).

Conditions:
Developmental and epileptic encephalopathy, 9 (DEE9). Also called: PCDH19-Related X-Linked Female-Limited Epilepsy with Mental Retardation; Early infantile epileptic encephalopathy 9; EPILEPSY, FEMALE-RESTRICTED, WITH MENTAL RETARDATION; JUBERG-HELLMAN SYNDROME. Identifiers: Orphanet 101039, Orphanet 2076, MedGen C1848137, MONDO:0010246, OMIM 300088. Disease mechanism: loss of function.

Submission:

Labcorp Genetics (formerly Invitae), Labcorp
Classification: Pathogenic for Developmental and epileptic encephalopathy, 9. Last evaluated: 2022-08-09. Review status: criteria provided, single submitter. Criteria: Invitae Variant Classification Sherloc (09022015). Collection method: clinical testing. Allele origin: germline.
Comment: For these reasons, this variant has been classified as Pathogenic. ClinVar contains an entry for this variant (Variation ID: 1071820). This variant has not been reported in the literature in individuals affected with PCDH19-related conditions. This variant is not present in population databases (gnomAD no frequency). This sequence change creates a premature translational stop signal (p.His888Profs*20) in the PCDH19 gene. It is expected to result in an absent or disrupted protein product. Loss-of-function variants in PCDH19 are known to be pathogenic (PMID: 21053371).

Literature cited by the submitters: PubMed 21053371.

NM_001184880.2(PCDH19):c.2662dup (p.His888fs)

Gene: PCDH19 (protocadherin 19; minus strand). Cytogenetic location: Xq22.1.
Variant type: Duplication.
Coding change: c.2662dup on transcript NM_001184880.2 (MANE Select); coding-DNA position 2662, one base duplicated (C; older notation c.2662dupC).
Protein change: p.His888fs; shifts the reading frame from histidine 888.
Molecular consequence: frameshift variant.
Genome position (GRCh38, 1-based): chrX:100,350,659, G duplicated on the plus strand (C on the coding strand, the reverse complement: PCDH19 is on the minus strand); the first of 3 consecutive G bases (chrX:100,350,659-100,350,661); duplicating any one gives the same sequence. VCF-style (leftmost placement, unchanged base first): chrX-100350658-T-TG. GRCh37 (hg19) VCF-style: chrX-99605656-T-TG.
Other names: c.2521dup, p.His841fs (NM_001105243.2, NM_020766.3); short protein forms H841fs, H888fs.
Identifiers: ClinVar variation 1071820 (VCV001071820.7), dbSNP rs2147492627, ClinGen allele CA2499226247.
Genomic context (GRCh38, chrX:100,350,658, plus strand): 5'-ATGTTAAATCAAGCTTAGTTGCAGCAATAAGCAAGCAAACCAACATACCTCTTGATTAAA[T>TG]GGGCTCGGCTATTCACGTAGTTGGAGTCAAAAGAATAGTTTTCAGTCTGCAATGAGAAGA-3'